The following is an entry in ClinVar:

ClinVar aggregate classification (germline): Uncertain significance (1 of 4 stars; one submission).

Conditions:
Hereditary lymphedema type I (LMPHM1). Also called: Nonne-Milroy disease; Congenital hereditary lymphedema; Early onset lymphedema; Hereditary lymphedema 1; Primary congenital lymphedema; Meige's disease. Identifiers: Orphanet 79452, MedGen C1704423, MONDO:0007919, OMIM 153100.

Allele frequency attached by ClinVar (database versions not stated): gnomAD 0.00003; TOPMed 0.00005; ExAC 0.00008.
gnomAD v4.1: 168 of 1,610,882 alleles (0.01%); highest among the groups gnomAD compares: Non-Finnish European, 0.012%; no homozygotes.

Submission:

Clinical Genomics Laboratory, Washington University in St. Louis
Classification: Uncertain significance for Hereditary lymphedema type I. Last evaluated: 2023-12-05. Review status: criteria provided, single submitter. Criteria: ACMG Guidelines, 2015. Collection method: clinical testing. Allele origin: germline.
Comment: The FLT4 c.1422-8C>T variant was identified at a near heterozygous allelic fraction of 47%, a frequency which may be consistent with it being of germline origin. Computational predictors indicate that the variant has no impact on splicing, evidence that this variant may not have a damaging effect on FLT4 function. Due to limited information, and based on ACMG/AMP guidelines for variant interpretation (Richards S et al., PMID: 25741868), the clinical significance of this variant is uncertain at this time.

NM_182925.5(FLT4):c.1422-8C>T

Gene: FLT4 (fms related receptor tyrosine kinase 4; minus strand). Cytogenetic location: 5q35.3.
Variant type: single nucleotide variant.
Coding change: c.1422-8C>T on transcript NM_182925.5 (MANE Select); 8 bases into the intron before coding-DNA position 1422, C replaced by T.
Molecular consequence: intron variant.
Genome position (GRCh38, 1-based): chr5:180,624,069, G>A on the plus strand (C>T on the coding strand, the complement: FLT4 is on the minus strand). VCF-style: chr5-180624069-G-A. GRCh37 (hg19) VCF-style: chr5-180051069-G-A.
Other names: c.1422-8C>T (NM_001354989.2, NM_002020.5).
Identifiers: ClinVar variation 3237424 (VCV003237424.1), dbSNP rs749735045.